The following is an entry in ClinVar:

ClinVar aggregate classification (germline): Pathogenic. Review status: criteria provided, multiple submitters, no conflicts (2 of 4 stars). 4 submissions from 4 submitters: Pathogenic (3). 1 of the submissions does not count toward it. Last evaluated 2024-03-28.

Conditions:
Familial adenomatous polyposis 1 (FAP1). Also called: POLYPOSIS, ADENOMATOUS INTESTINAL; FAMILIAL ADENOMATOUS POLYPOSIS 1, ATTENUATED. Identifiers: MedGen C2713442, MONDO:0021056, OMIM 175100. Disease mechanism: loss of function.
Colorectal cancer, susceptibility to. Identifiers: MedGen C1858438.
Hereditary cancer-predisposing syndrome. Also called: Tumor predisposition; Hereditary neoplastic syndrome; Neoplastic Syndromes, Hereditary; Hereditary Cancer Syndrome. Identifiers: Orphanet 140162, MedGen C0027672, MeSH D009386, MONDO:0015356.

Submissions (4):

Ambry Genetics
Classification: Pathogenic for Hereditary cancer-predisposing syndrome. Last evaluated: 2024-03-28. Review status: criteria provided, single submitter. Criteria: Ambry Variant Classification Scheme 2023. Collection method: clinical testing. Allele origin: germline.
Comment: The p.Q188* pathogenic mutation (also known as c.562C>T), located in coding exon 5 of the APC gene, results from a C to T substitution at nucleotide position 562. This changes the amino acid from a glutamine to a stop codon within coding exon 5. This alteration has been reported in multiple individuals with colonic polyposis (Ambry internal data; Moisio AL et al. Gut, 2002 Jun;50:845-50; Lagarde A et al. J Med Genet, 2010 Oct;47:721-2; Shirts BH et al. Genet Med, 2016 Oct;18:974-81). This variant is considered to be rare based on population cohorts in the Genome Aggregation Database (gnomAD). In addition to the clinical data presented in the literature, this alteration is expected to result in loss of function by premature protein truncation or nonsense-mediated mRNA decay. As such, this alteration is interpreted as a disease-causing mutation.

Myriad Genetics, Inc.
Classification: Pathogenic for Familial adenomatous polyposis 1. Last evaluated: 2023-04-26. Review status: criteria provided, single submitter. Criteria: Myriad Autosomal Dominant, Autosomal Recessive and X-Linked Classification Criteria (2023). Collection method: clinical testing. Allele origin: unknown.
Comment: This variant is considered pathogenic. This variant creates a termination codon and is predicted to result in premature protein truncation.

University of Washington Department of Laboratory Medicine, University of Washington
Classification: Pathogenic for Colorectal cancer, susceptibility to. Last evaluated: 2015-11-20. Review status: criteria provided, single submitter. Criteria: Shirts et al. (Genet Med 2016). Collection method: clinical testing. Allele origin: germline. Affected: no. Observed: 1 variant allele.

Department of Pathology and Laboratory Medicine, Sinai Health System
Classification: Uncertain significance. Review status: no assertion criteria provided. Collection method: clinical testing. Allele origin: unknown. Affected: yes. Observed: 1 variant allele. Study: The Canadian Open Genetics Repository (COGR). Not counted in ClinVar's aggregate classification.

Literature cited by the submitters: PubMed 12010888 (cited by Ambry Genetics); PubMed 20685668 (cited by Ambry Genetics); PubMed 26845104 (cited by Ambry Genetics).

NM_000038.6(APC):c.562C>T (p.Gln188Ter)

Gene: APC (APC regulator of Wnt signaling pathway; plus strand). Cytogenetic location: 5q22.2.
Variant type: single nucleotide variant.
Coding change: c.562C>T on transcript NM_000038.6 (MANE Select); coding-DNA position 562, C replaced by T.
Protein change: p.Gln188Ter; replaces glutamine 188 with a stop codon.
Molecular consequence: nonsense. On other transcripts: 5 prime UTR variant (1).
Genome position (GRCh38, 1-based): chr5:112,780,820, C>T. VCF-style: chr5-112780820-C-T. GRCh37 (hg19) VCF-style: chr5-112116517-C-T.
Other names: c.562C>T, p.Gln188Ter (NM_001127510.3, NM_001354895.2, NM_001354896.2 and 2 more transcripts); c.592C>T, p.Gln198Ter (NM_001127511.3, NM_001354897.2, NM_001354902.2); c.487C>T, p.Gln163Ter (NM_001354898.2, NM_001354904.2); c.385C>T, p.Gln129Ter (NM_001354900.2, NM_001354901.2, NM_001354905.2); c.-474C>T (NM_001354906.2); short protein forms Q188*, Q198*, Q129*, Q163*.
Identifiers: ClinVar variation 224515 (VCV000224515.6), dbSNP rs869312753, ClinGen allele CA353493.